The following is an entry in ClinVar:

NM_001099274.3(TINF2):c.471G>T (p.Gln157His)

Gene: TINF2 (TERF1 interacting nuclear factor 2; minus strand). Cytogenetic location: 14q12.
Variant type: single nucleotide variant.
Coding change: c.471G>T on transcript NM_001099274.3 (MANE Select); coding-DNA position 471, G replaced by T.
Protein change: p.Gln157His; replaces glutamine 157 with histidine.
Molecular consequence: missense variant.
Genome position (GRCh38, 1-based): chr14:24,241,240, C>A on the plus strand (G>T on the coding strand, the complement: TINF2 is on the minus strand). VCF-style: chr14-24241240-C-A. GRCh37 (hg19) VCF-style: chr14-24710446-C-A.
Other names: c.366G>T, p.Gln122His (NM_001363668.2); c.471G>T, p.Gln157His (NM_012461.3); short protein forms Q122H, Q157H.
Identifiers: ClinVar variation 4724388 (VCV004724388.1).

ClinVar aggregate classification (germline): Uncertain significance (1 of 4 stars; one submission).

Conditions:
Dyskeratosis congenita. Identifiers: Orphanet 1775, MedGen C0265965, MONDO:0015780.

Submission:

Labcorp Genetics (formerly Invitae), Labcorp
Classification: Uncertain significance for Dyskeratosis congenita. Last evaluated: 2025-07-30. Review status: criteria provided, single submitter. Criteria: Invitae Variant Classification Sherloc (09022015). Collection method: clinical testing. Allele origin: germline.
Comment: This sequence change replaces glutamine, which is neutral and polar, with histidine, which is basic and polar, at codon 157 of the TINF2 protein (p.Gln157His). This variant is not present in population databases (gnomAD no frequency). This variant has not been reported in the literature in individuals affected with TINF2-related conditions. An algorithm developed to predict the effect of missense changes on protein structure and function (PolyPhen-2) suggests that this variant is likely to be tolerated. In summary, the available evidence is currently insufficient to determine the role of this variant in disease. Therefore, it has been classified as a Variant of Uncertain Significance.